The following is an entry in ClinVar:

NM_001042492.3(NF1):c.6330A>G (p.Leu2110=)

Gene: NF1 (neurofibromin 1; plus strand). Cytogenetic location: 17q11.2.
Variant type: single nucleotide variant.
Coding change: c.6330A>G on transcript NM_001042492.3 (MANE Select); coding-DNA position 6330, A replaced by G.
Protein change: p.Leu2110=; no amino-acid change (leucine 2110 retained).
Molecular consequence: synonymous variant.
Genome position (GRCh38, 1-based): chr17:31,336,817, A>G. VCF-style: chr17-31336817-A-G. GRCh37 (hg19) VCF-style: chr17-29663835-A-G.
Other names: c.6267A>G, p.Leu2089= (NM_000267.4).
Identifiers: ClinVar variation 3878982 (VCV003878982.2).

ClinVar aggregate classification (germline): Benign/Likely benign. Review status: criteria provided, multiple submitters, no conflicts (2 of 4 stars). 2 submissions from 2 submitters: Benign (1); Likely benign (1). Last evaluated 2026-05-21.

Conditions:
Neurofibromatosis, type 1 (NF1). Also called: VON RECKLINGHAUSEN DISEASE; NEUROFIBROMATOSIS, TYPE I, SOMATIC; Peripheral type neurofibromatosis; Neurofibromatosis, type I. Identifiers: Orphanet 636, MedGen C0027831, MONDO:0018975, OMIM 162200. Disease mechanism: loss of function.
Hereditary cancer-predisposing syndrome. Also called: Neoplastic Syndromes, Hereditary; Tumor predisposition; Hereditary Cancer Syndrome; Hereditary neoplastic syndrome. Identifiers: Orphanet 140162, MedGen C0027672, MeSH D009386, MONDO:0015356.
Cardiovascular phenotype. Identifiers: MedGen CN230736.

Submissions (2):

Myriad Genetics, Inc.
Classification: Benign for Neurofibromatosis, type 1. Last evaluated: 2026-05-21. Review status: criteria provided, single submitter. Criteria: Myriad Autosomal Dominant, Autosomal Recessive and X-Linked Classification Criteria (2023). Collection method: clinical testing. Allele origin: unknown.
Comment: This variant is considered benign. This variant is a silent/synonymous amino acid change and it is not expected to impact splicing.

Ambry Genetics
Classification: Likely benign for Cardiovascular phenotype; Hereditary cancer-predisposing syndrome. Last evaluated: 2025-01-22. Review status: criteria provided, single submitter. Criteria: Ambry Variant Classification Scheme 2023. Collection method: clinical testing. Allele origin: germline.